The following is an entry in ClinVar:

NM_007294.4(BRCA1):c.240T>A (p.Ser80Arg)

Gene: BRCA1 (BRCA1 DNA repair associated; minus strand). Cytogenetic location: 17q21.31.
Variant type: single nucleotide variant.
Coding change: c.240T>A on transcript NM_007294.4 (MANE Select); coding-DNA position 240, T replaced by A.
Protein change: p.Ser80Arg; replaces serine 80 with arginine.
Molecular consequence: missense variant. On other transcripts: non-coding transcript variant (1).
Genome position (GRCh38, 1-based): chr17:43,104,929, A>T on the plus strand (T>A on the coding strand, the complement: BRCA1 is on the minus strand). VCF-style: chr17-43104929-A-T. GRCh37 (hg19) VCF-style: chr17-41256946-A-T.
Other names: c.99T>A, p.Ser33Arg (NM_001407735.1, NM_001407736.1, NM_001407737.1 and 99 more transcripts); c.30T>A, p.Ser10Arg (NM_001407853.1, NM_001407879.1, NM_001407881.1 and 58 more transcripts); c.240T>A, p.Ser80Arg (NM_001407854.1, NM_001407858.1, NM_001407859.1 and 168 more transcripts); c.162T>A, p.Ser54Arg (NM_001407862.1, NM_001407874.1, NM_001407875.1 and 21 more transcripts); c.-142T>A (NM_001407959.1, NM_001407960.1, NM_001407962.1 and 4 more transcripts); c.108T>A, p.Ser36Arg (NM_001408451.1); short protein forms S33R, S80R, S54R, S10R, S36R.
Identifiers: ClinVar variation 865595 (VCV000865595.3), dbSNP rs2054689945, ClinGen allele CA10601677.

Conditions:
Breast-ovarian cancer, familial, susceptibility to, 1 (BROVCA1). Also called: BRCA1 Hereditary Breast and Ovarian Cancer; OVARIAN CANCER, SUSCEPTIBILITY TO. Identifiers: Orphanet 145, MedGen C2676676, MONDO:0011450, OMIM 604370. Disease mechanism: loss of function.

Submission:

Brotman Baty Institute, University of Washington
No classification provided (evidence only). Condition: Breast-ovarian cancer, familial 1. Review status: no classification provided. Collection method: in vitro. Allele origin: not applicable. Functional consequence: function_uncertain_variant.
ClinVar note: "not provided" was previously submitted as the classification for the variant. However, the classification appeared to be based only on an observation of functional data so it was converted to no classification on 2025-07-30.